The following is an entry in ClinVar:

NM_022124.6(CDH23):c.9836C>T (p.Pro3279Leu)

Gene: CDH23 (cadherin related 23; plus strand). Cytogenetic location: 10q22.1.
Variant type: single nucleotide variant.
Coding change: c.9836C>T on transcript NM_022124.6 (MANE Select); coding-DNA position 9836, C replaced by T.
Protein change: p.Pro3279Leu; replaces proline 3279 with leucine.
Molecular consequence: missense variant.
Genome position (GRCh38, 1-based): chr10:71,815,049, C>T. VCF-style: chr10-71815049-C-T. GRCh37 (hg19) VCF-style: chr10-73574806-C-T.
Other names: c.3116C>T, p.Pro1039Leu (NM_001171933.1); c.3011C>T, p.Pro1004Leu (NM_001171934.1); c.527C>T, p.Pro176Leu (NM_001171935.1); c.422C>T, p.Pro141Leu (NM_001171936.1); short protein forms P1004L, P1039L, P141L, P176L, P3279L.
Identifiers: ClinVar variation 1908409 (VCV001908409.2), dbSNP rs2494475141, ClinGen allele CA377138192.

ClinVar aggregate classification (germline): Uncertain significance (1 of 4 stars; one submission).

Allele frequency attached by ClinVar (database versions not stated): gnomAD exomes below 0.00001.
gnomAD v4.1: 1 of 1,612,362 alleles (0.000062%); highest among the groups gnomAD compares: Non-Finnish European, 0.000085%; no homozygotes.

Submission:

Labcorp Genetics (formerly Invitae), Labcorp
Classification: Uncertain significance. Last evaluated: 2022-10-24. Review status: criteria provided, single submitter. Criteria: Invitae Variant Classification Sherloc (09022015). Collection method: clinical testing. Allele origin: germline.
Comment: This sequence change replaces proline, which is neutral and non-polar, with leucine, which is neutral and non-polar, at codon 3279 of the CDH23 protein (p.Pro3279Leu). This variant is not present in population databases (gnomAD no frequency). This variant has not been reported in the literature in individuals affected with CDH23-related conditions. Advanced modeling of protein sequence and biophysical properties (such as structural, functional, and spatial information, amino acid conservation, physicochemical variation, residue mobility, and thermodynamic stability) performed at Invitae indicates that this missense variant is not expected to disrupt CDH23 protein function. In summary, the available evidence is currently insufficient to determine the role of this variant in disease. Therefore, it has been classified as a Variant of Uncertain Significance.